The following is an entry in ClinVar:

NM_000206.3(IL2RG):c.980A>G (p.Glu327Gly)

Gene: IL2RG (interleukin 2 receptor subunit gamma; minus strand). Cytogenetic location: Xq13.1.
Variant type: single nucleotide variant.
Coding change: c.980A>G on transcript NM_000206.3 (MANE Select); coding-DNA position 980, A replaced by G.
Protein change: p.Glu327Gly; replaces glutamic acid 327 with glycine.
Molecular consequence: missense variant.
Genome position (GRCh38, 1-based): chrX:71,107,866, T>C on the plus strand (A>G on the coding strand, the complement: IL2RG is on the minus strand). VCF-style: chrX-71107866-T-C. GRCh37 (hg19) VCF-style: chrX-70327716-T-C.
Other names: short protein forms E327G.
Identifiers: ClinVar variation 420678 (VCV000420678.2), dbSNP rs1064794631, ClinGen allele CA16621483.

ClinVar aggregate classification (germline): Likely pathogenic (1 of 4 stars; one submission).

Submission:

GeneDx
Classification: Likely pathogenic. Last evaluated: 2016-09-08. Review status: criteria provided, single submitter. Criteria: GeneDx Variant Classification (06012015). Collection method: clinical testing. Allele origin: germline. Affected: yes.
Comment: The E327G variant in the IL2RG gene has not been published as a pathogenic variant, nor has it been reported as a benign variant to our knowledge. The variant was not observed in approximately 6,500 individuals of European and African American ancestry in the NHLBI Exome Sequencing Project, indicating it is not a common benign variant in these populations. E327G is a non-conservative amino acid substitution, which is likely to impact secondary protein structure as these residues differ in polarity, charge, size and/or other properties. This substitution occurs at a position that is conserved across species, and in silico analysis predicts this variant is probably damaging to the protein structure/function. However, in the absence of functional studies it is unknown what effect the E327G variant has on the protein. Therefore, based on the currently available information, it is unclear whether this variant is a pathogenic variant or a rare benign variant.